The following is an entry in ClinVar:

NM_001042424.3(NSD2):c.2932G>A (p.Ala978Thr)

Gene: NSD2 (nuclear receptor binding SET domain protein 2; plus strand). Cytogenetic location: 4p16.3.
Variant type: single nucleotide variant.
Coding change: c.2932G>A on transcript NM_001042424.3 (MANE Select); coding-DNA position 2932, G replaced by A.
Protein change: p.Ala978Thr; replaces alanine 978 with threonine.
Molecular consequence: missense variant.
Genome position (GRCh38, 1-based): chr4:1,957,983, G>A. VCF-style: chr4-1957983-G-A. GRCh37 (hg19) VCF-style: chr4-1959710-G-A.
Other names: c.2932G>A, p.Ala978Thr (NM_133330.3, NM_133331.3, NM_133335.4); short protein forms A978T.
Identifiers: ClinVar variation 2497982 (VCV002497982.1), dbSNP rs1725004118, ClinGen allele CA355993340.

ClinVar aggregate classification (germline): Uncertain significance (1 of 4 stars; one submission).

Allele frequency attached by ClinVar (database versions not stated): TOPMed below 0.00001.

Submission:

GeneDx
Classification: Uncertain significance. Last evaluated: 2022-10-07. Review status: criteria provided, single submitter. Criteria: GeneDx Variant Classification Process June 2021. Collection method: clinical testing. Allele origin: germline. Affected: yes.
Comment: Not observed at significant frequency in large population cohorts (gnomAD); In silico analysis supports that this missense variant does not alter protein structure/function; Has not been previously published as pathogenic or benign to our knowledge